The following is an entry in ClinVar:

NM_001080.3(ALDH5A1):c.481G>A (p.Ala161Thr)

Gene: ALDH5A1 (aldehyde dehydrogenase 5 family member A1; plus strand). Cytogenetic location: 6p22.3.
Variant type: single nucleotide variant.
Coding change: c.481G>A on transcript NM_001080.3 (MANE Select); coding-DNA position 481, G replaced by A.
Protein change: p.Ala161Thr; replaces alanine 161 with threonine.
Molecular consequence: missense variant.
Genome position (GRCh38, 1-based): chr6:24,503,305, G>A. VCF-style: chr6-24503305-G-A. GRCh37 (hg19) VCF-style: chr6-24503533-G-A.
Other names: c.481G>A, p.Ala161Thr (NM_001368954.1, NM_170740.1); short protein forms A161T.
Identifiers: ClinVar variation 1035732 (VCV001035732.7), dbSNP rs139486423, ClinGen allele CA3656635.

ClinVar aggregate classification (germline): Uncertain significance. Review status: criteria provided, multiple submitters, no conflicts (2 of 4 stars). 3 submissions from 3 submitters: Uncertain significance (3). Last evaluated 2021-08-24.

Conditions:
Succinate-semialdehyde dehydrogenase deficiency (SSADHD). Also called: GABA METABOLIC DEFECT; SSADH DEFICIENCY; 4-HYDROXYBUTYRIC ACIDURIA; Succinic Semialdehyde Dehydrogenase Deficiency. Identifiers: Orphanet 22, MedGen C0268631, MONDO:0010083, OMIM 271980.
Inborn genetic diseases. Identifiers: MedGen C0950123, MeSH D030342.

Allele frequency attached by ClinVar (database versions not stated): ExAC 0.00001; gnomAD 0.00001; ESP Exome Variant Server 0.00008.
gnomAD v4.1: 9 of 1,614,052 alleles (0.00056%); highest among the groups gnomAD compares: Admixed American, 0.0017%; no homozygotes.

Submissions (3):

Labcorp Genetics (formerly Invitae), Labcorp
Classification: Uncertain significance for Succinate-semialdehyde dehydrogenase deficiency. Last evaluated: 2021-08-24. Review status: criteria provided, single submitter. Criteria: Invitae Variant Classification Sherloc (09022015). Collection method: clinical testing. Allele origin: germline.
Comment: This sequence change replaces alanine with threonine at codon 161 of the ALDH5A1 protein (p.Ala161Thr). The alanine residue is highly conserved and there is a small physicochemical difference between alanine and threonine. This variant is present in population databases (rs139486423, ExAC 0.009%). This variant has not been reported in the literature in individuals affected with ALDH5A1-related conditions. Algorithms developed to predict the effect of missense changes on protein structure and function are either unavailable or do not agree on the potential impact of this missense change (SIFT: "Tolerated"; PolyPhen-2: "Possibly Damaging"; Align-GVGD: "Class C0"). In summary, the available evidence is currently insufficient to determine the role of this variant in disease. Therefore, it has been classified as a Variant of Uncertain Significance.

Ambry Genetics
Classification: Uncertain significance for Inborn genetic diseases. Last evaluated: 2021-05-01. Review status: criteria provided, single submitter. Criteria: Ambry Variant Classification Scheme 2023. Collection method: clinical testing. Allele origin: germline.

Breakthrough Genomics
Classification: Uncertain significance. Review status: criteria provided, single submitter. Criteria: ACMG Guidelines, 2015. Collection method: not provided. Allele origin: germline. Inheritance: Autosomal recessive inheritance. Affected: yes.